The following is an entry in ClinVar:

NM_025074.7(FRAS1):c.6584-2A>G

Gene: FRAS1 (Fraser extracellular matrix complex subunit 1; plus strand). Cytogenetic location: 4q21.21.
Variant type: single nucleotide variant.
Coding change: c.6584-2A>G on transcript NM_025074.7 (MANE Select); the canonical splice acceptor site of the intron before coding-DNA position 6584, A replaced by G.
Molecular consequence: splice acceptor variant.
Genome position (GRCh38, 1-based): chr4:78,452,173, A>G. VCF-style: chr4-78452173-A-G. GRCh37 (hg19) VCF-style: chr4-79373327-A-G.
Identifiers: ClinVar variation 1067091 (VCV001067091.7), dbSNP rs1427532570, ClinGen allele CA357396072.

ClinVar aggregate classification (germline): Likely pathogenic (1 of 4 stars; one submission).

Allele frequency attached by ClinVar (database versions not stated): gnomAD 0.00001.
gnomAD v4.1: 11 of 1,613,252 alleles (0.00068%); highest among the groups gnomAD compares: South Asian, 0.0011%; no homozygotes.

Submission:

Labcorp Genetics (formerly Invitae), Labcorp
Classification: Likely pathogenic. Last evaluated: 2023-02-16. Review status: criteria provided, single submitter. Criteria: Invitae Variant Classification Sherloc (09022015). Collection method: clinical testing. Allele origin: germline.
Comment: In summary, the currently available evidence indicates that the variant is pathogenic, but additional data are needed to prove that conclusively. Therefore, this variant has been classified as Likely Pathogenic. Algorithms developed to predict the effect of sequence changes on RNA splicing suggest that this variant may disrupt the consensus splice site. ClinVar contains an entry for this variant (Variation ID: 1067091). This variant has not been reported in the literature in individuals affected with FRAS1-related conditions. This variant is present in population databases (no rsID available, gnomAD 0.007%). This sequence change affects an acceptor splice site in intron 46 of the FRAS1 gene. It is expected to disrupt RNA splicing. Variants that disrupt the donor or acceptor splice site typically lead to a loss of protein function (PMID: 16199547), and loss-of-function variants in FRAS1 are known to be pathogenic (PMID: 12766769, 18671281).

Literature cited by the submitters: PubMed 16199547; PubMed 12766769; PubMed 18671281.